The following is an entry in ClinVar:

ClinVar aggregate classification (germline): Uncertain significance. Review status: criteria provided, multiple submitters, no conflicts (2 of 4 stars). 2 submissions from 2 submitters: Uncertain significance (2). Last evaluated 2025-06-04.

Conditions:
Neuronal ceroid lipofuscinosis. Also called: Neuronal Ceroid Lipofuscinoses. Identifiers: Orphanet 216, Orphanet 79263, MedGen C0027877, MONDO:0016295. Disease mechanism: loss of function.

Allele frequency attached by ClinVar (database versions not stated): gnomAD exomes 0.00001; TOPMed 0.00002; gnomAD 0.00003; ExAC 0.00004.
gnomAD v4.1: 12 of 1,567,598 alleles (0.00077%); highest among the groups gnomAD compares: African/African-American, 0.0041%; no homozygotes.

Submissions (2):

Labcorp Genetics (formerly Invitae), Labcorp
Classification: Uncertain significance for Neuronal ceroid lipofuscinosis. Last evaluated: 2025-06-04. Review status: criteria provided, single submitter. Criteria: Invitae Variant Classification Sherloc (09022015). Collection method: clinical testing. Allele origin: germline.
Comment: This sequence change replaces proline, which is neutral and non-polar, with leucine, which is neutral and non-polar, at codon 170 of the DNAJC5 protein (p.Pro170Leu). The frequency data for this variant in the population databases is considered unreliable, as metrics indicate poor data quality at this position in the gnomAD database. This variant has not been reported in the literature in individuals affected with DNAJC5-related conditions. ClinVar contains an entry for this variant (Variation ID: 582216). An algorithm developed to predict the effect of missense changes on protein structure and function (PolyPhen-2) suggests that this variant is likely to be disruptive. In summary, the available evidence is currently insufficient to determine the role of this variant in disease. Therefore, it has been classified as a Variant of Uncertain Significance.

GeneDx
Classification: Uncertain significance. Last evaluated: 2020-02-05. Review status: criteria provided, single submitter. Criteria: GeneDx Variant Classification Process June 2021. Collection method: clinical testing. Allele origin: germline. Affected: yes.
Comment: In silico analysis supports that this missense variant has a deleterious effect on protein structure/function; Has not been previously published as pathogenic or benign to our knowledge

NM_025219.3(DNAJC5):c.509C>T (p.Pro170Leu)

Gene: DNAJC5 (DnaJ heat shock protein family (Hsp40) member C5; plus strand). Cytogenetic location: 20q13.33.
Variant type: single nucleotide variant.
Coding change: c.509C>T on transcript NM_025219.3 (MANE Select); coding-DNA position 509, C replaced by T.
Protein change: p.Pro170Leu; replaces proline 170 with leucine.
Molecular consequence: missense variant.
Genome position (GRCh38, 1-based): chr20:63,931,480, C>T. VCF-style: chr20-63931480-C-T. GRCh37 (hg19) VCF-style: chr20-62562833-C-T.
Other names: short protein forms P170L.
Identifiers: ClinVar variation 582216 (VCV000582216.12), dbSNP rs770758533, ClinGen allele CA9969797.
Genomic context (GRCh38, chr20:63,931,480, plus strand): 5'-CCAGGCTGTGGCCCTCGTGCAGTGCCCTGTGTGCTTGCTTTTCAGAGGCCACAGACACGC[C>T]GATCGTCATACAGCCGGCATCCGCCACCGAGACCACCCAGCTCACAGCCGACTCCCACCC-3'
Protein context (NP_079495.1, residues 160-180): QSDEREATDT[Pro170Leu]IVIQPASATE